The following is an entry in ClinVar:

NM_001371395.1(USP53):c.973-1G>A

Gene: USP53 (ubiquitin specific peptidase 53; plus strand). Cytogenetic location: 4q26.
Variant type: single nucleotide variant.
Coding change: c.973-1G>A on transcript NM_001371395.1 (MANE Select); the canonical splice acceptor site of the intron before coding-DNA position 973, G replaced by A.
Molecular consequence: splice acceptor variant.
Genome position (GRCh38, 1-based): chr4:119,267,319, G>A. VCF-style: chr4-119267319-G-A. GRCh37 (hg19) VCF-style: chr4-120188474-G-A.
Other names: c.973-1G>A (NM_019050.3, NM_001389661.1, NM_001389658.1 and 5 more transcripts); c.625-1G>A (NM_001389663.1, NM_001389667.1, NM_001389664.1 and 3 more transcripts); c.823-1G>A (NM_001389660.1).
Identifiers: ClinVar variation 1705494 (VCV001705494.1), dbSNP rs1751264238, ClinGen allele CA358031509.

ClinVar aggregate classification (germline): Likely pathogenic (1 of 4 stars; one submission).

Conditions:
Cholestasis, progressive familial intrahepatic, 7, with or without hearing loss. Identifiers: MedGen C5562043, MONDO:0030503, OMIM 619658.

Allele frequency attached by ClinVar (database versions not stated): gnomAD 0.00001.
gnomAD v4.1: 1 of 1,610,350 alleles (0.000062%); highest among the groups gnomAD compares: African/African-American, 0.0013%; no homozygotes.

Submission:

3billion
Classification: Likely pathogenic for Cholestasis, progressive familial intrahepatic, 7, with or without hearing loss. Last evaluated: 2022-09-01. Review status: criteria provided, single submitter. Criteria: ACMG Guidelines, 2015. Collection method: clinical testing. Allele origin: germline. Affected: yes. Observed: 1 heterozygote.
Comment: The variant is not observed in the gnomAD v2.1.1 dataset. Canonical splice site is predicted to alter splicing and result in a loss or disruption of normal protein function. Multiple pathogenic loss-of-function variants are reported downstream of the variant. Therefore, this variant is classified as Likely pathogenic according to the recommendation of ACMG/AMP guideline.